The following is an entry in ClinVar:

ClinVar aggregate classification (germline): Likely benign. Review status: criteria provided, multiple submitters, no conflicts (2 of 4 stars). 2 submissions from 2 submitters: Likely benign (2). Last evaluated 2025-08-09.

Conditions:
Mendelian susceptibility to mycobacterial diseases due to complete IL12B deficiency. Also called: IL12B DEFICIENCY; Immunodeficiency 29. Identifiers: Orphanet 319558, MedGen C4013948, MONDO:0013954, OMIM 614890.

Allele frequency attached by ClinVar (database versions not stated): gnomAD exomes 0.00001.
gnomAD v4.1: 14 of 1,612,852 alleles (0.00087%); highest among the groups gnomAD compares: Non-Finnish European, 0.0012%; no homozygotes.

Submissions (2):

Labcorp Genetics (formerly Invitae), Labcorp
Classification: Likely benign for Mendelian susceptibility to mycobacterial diseases due to complete IL12B deficiency. Last evaluated: 2025-08-09. Review status: criteria provided, single submitter. Criteria: Invitae Variant Classification Sherloc (09022015). Collection method: clinical testing. Allele origin: germline.

CeGaT Center for Human Genetics Tuebingen
Classification: Likely benign. Last evaluated: 2023-12-01. Review status: criteria provided, single submitter. Criteria: CeGaT Center For Human Genetics Tuebingen Variant Classification Criteria Version 2. Collection method: clinical testing. Allele origin: germline. Affected: yes. Observed: 1 variant allele.
Comment: IL12B: PM2:Supporting, BP4, BP7

NM_002187.3(IL12B):c.51A>G (p.Ala17=)

Gene: IL12B (interleukin 12B; minus strand). Cytogenetic location: 5q33.3.
Variant type: single nucleotide variant.
Coding change: c.51A>G on transcript NM_002187.3 (MANE Select); coding-DNA position 51, A replaced by G.
Protein change: p.Ala17=; no amino-acid change (alanine 17 retained).
Molecular consequence: synonymous variant.
Genome position (GRCh38, 1-based): chr5:159,326,732, T>C on the plus strand (A>G on the coding strand, the complement: IL12B is on the minus strand). VCF-style: chr5-159326732-T-C. GRCh37 (hg19) VCF-style: chr5-158753740-T-C.
Identifiers: ClinVar variation 2150119 (VCV002150119.26), dbSNP rs1584756665, ClinGen allele CA447514520.
Genomic context (GRCh38, chr5:159,326,732, plus strand): 5'-GAGAATAATGAGAGGCTGGTTACCATCTTTCTTCAGTTCCCATATGGCCACGAGGGGAGA[T>C]GCCAGAAAAACCAGGGAAAACCAAGAGATGACCAACTGCTGGTGACACATCTATAAGAAG-3'
Protein context (NP_002178.2, residues 7-27): VISWFSLVFL[Ala17=]SPLVAIWELK